The following is an entry in ClinVar:

ClinVar aggregate classification (germline): Uncertain significance (1 of 4 stars; one submission).

Conditions:
Seizures, benign familial infantile, 3 (BFIS3). Also called: CONVULSIONS, BENIGN FAMILIAL INFANTILE, 3; Familial neonatal seizures. Identifiers: Orphanet 140927, Orphanet 306, MedGen C1843140, MONDO:0011904, OMIM 607745.
Developmental and epileptic encephalopathy, 11 (DEE11). Also called: Early infantile epileptic encephalopathy 11. Identifiers: Orphanet 1934, MedGen C3150987, MONDO:0013388, OMIM 613721.

Submission:

Labcorp Genetics (formerly Invitae), Labcorp
Classification: Uncertain significance for Seizures, benign familial infantile, 3; Developmental and epileptic encephalopathy, 11. Last evaluated: 2023-05-26. Review status: criteria provided, single submitter. Criteria: Invitae Variant Classification Sherloc (09022015). Collection method: clinical testing. Allele origin: germline.
Comment: In summary, the available evidence is currently insufficient to determine the role of this variant in disease. Therefore, it has been classified as a Variant of Uncertain Significance. Advanced modeling of protein sequence and biophysical properties (such as structural, functional, and spatial information, amino acid conservation, physicochemical variation, residue mobility, and thermodynamic stability) performed at Invitae indicates that this missense variant is not expected to disrupt SCN2A protein function. This variant has not been reported in the literature in individuals affected with SCN2A-related conditions. This variant is not present in population databases (gnomAD no frequency). This sequence change replaces tyrosine, which is neutral and polar, with histidine, which is basic and polar, at codon 1092 of the SCN2A protein (p.Tyr1092His).

NM_001040142.2(SCN2A):c.3274T>C (p.Tyr1092His)

Gene: SCN2A (sodium voltage-gated channel alpha subunit 2; plus strand). Cytogenetic location: 2q24.3.
Variant type: single nucleotide variant.
Coding change: c.3274T>C on transcript NM_001040142.2 (MANE Select); coding-DNA position 3274, T replaced by C.
Protein change: p.Tyr1092His; replaces tyrosine 1092 with histidine.
Molecular consequence: missense variant.
Genome position (GRCh38, 1-based): chr2:165,354,546, T>C. VCF-style: chr2-165354546-T-C. GRCh37 (hg19) VCF-style: chr2-166211056-T-C.
Other names: c.3274T>C, p.Tyr1092His (NM_001040143.2, NM_021007.3, NM_001371246.1 and 1 more transcripts); short protein forms Y1092H.
Identifiers: ClinVar variation 2945553 (VCV002945553.3), dbSNP rs2468036564, ClinGen allele CA349021646.
Genomic context (GRCh38, chr2:165,354,546, plus strand): 5'-AATGGAACTACTAGTGGCATAGGCAGCAGTGTAGAAAAATATGTCGTGGATGAAAGTGAT[T>C]ACATGTCATTTATAAACAACCCTAGCCTCACTGTGACAGTACCAATTGCTGTTGGAGAAT-3'
Protein context (NP_001035232.1, residues 1082-1102): VEKYVVDESD[Tyr1092His]MSFINNPSLT